The following is an entry in ClinVar:

NM_001105206.3(LAMA4):c.4679G>C (p.Arg1560Pro)

Gene: LAMA4 (laminin subunit alpha 4; minus strand). Cytogenetic location: 6q21.
Variant type: single nucleotide variant.
Coding change: c.4679G>C on transcript NM_001105206.3 (MANE Select); coding-DNA position 4679, G replaced by C.
Protein change: p.Arg1560Pro; replaces arginine 1560 with proline.
Molecular consequence: missense variant.
Genome position (GRCh38, 1-based): chr6:112,119,298, C>G on the plus strand (G>C on the coding strand, the complement: LAMA4 is on the minus strand). VCF-style: chr6-112119298-C-G. GRCh37 (hg19) VCF-style: chr6-112440501-C-G.
Other names: c.4658G>C, p.Arg1553Pro (NM_001105207.3, NM_002290.5); short protein forms R1553P, R1560P.
Identifiers: ClinVar variation 3222052 (VCV003222052.1), dbSNP rs397516732, ClinGen allele CA3964925.

ClinVar aggregate classification (germline): Uncertain significance (1 of 4 stars; one submission).

Conditions:
Cardiovascular phenotype. Identifiers: MedGen CN230736.

gnomAD v4.1: 1 of 1,613,886 alleles (0.000062%); highest among the groups gnomAD compares: Admixed American, 0.0017%; no homozygotes.

Submission:

Ambry Genetics
Classification: Uncertain significance for Cardiovascular phenotype. Last evaluated: 2024-01-02. Review status: criteria provided, single submitter. Criteria: Ambry Variant Classification Scheme 2023. Collection method: clinical testing. Allele origin: germline.
Comment: The p.R1553P variant (also known as c.4658G>C), located in coding exon 33 of the LAMA4 gene, results from a G to C substitution at nucleotide position 4658. The arginine at codon 1553 is replaced by proline, an amino acid with dissimilar properties. This amino acid position is conserved. In addition, this alteration is predicted to be deleterious by in silico analysis. Since supporting evidence is limited at this time, the clinical significance of this alteration remains unclear.